The following is an entry in ClinVar:

NM_033305.3(VPS13A):c.2230A>G (p.Met744Val)

Gene: VPS13A (vacuolar protein sorting 13 homolog A; plus strand). Cytogenetic location: 9q21.2.
Variant type: single nucleotide variant.
Coding change: c.2230A>G on transcript NM_033305.3 (MANE Select); coding-DNA position 2230, A replaced by G.
Protein change: p.Met744Val; replaces methionine 744 with valine.
Molecular consequence: missense variant.
Genome position (GRCh38, 1-based): chr9:77,252,294, A>G. VCF-style: chr9-77252294-A-G. GRCh37 (hg19) VCF-style: chr9-79867210-A-G.
Other names: c.2230A>G, p.Met744Val (NM_001018037.2, NM_001018038.3, NM_015186.4); short protein forms M744V.
Identifiers: ClinVar variation 2579791 (VCV002579791.1), dbSNP rs926374278, ClinGen allele CA194395876.

ClinVar aggregate classification (germline): Uncertain significance (1 of 4 stars; one submission).

Allele frequency attached by ClinVar (database versions not stated): gnomAD exomes below 0.00001; gnomAD 0.00001; TOPMed 0.00001.
gnomAD v4.1: 4 of 1,613,942 alleles (0.00025%); highest among the groups gnomAD compares: Non-Finnish European, 0.00034%; no homozygotes.

Submission:

GeneDx
Classification: Uncertain significance. Last evaluated: 2023-03-12. Review status: criteria provided, single submitter. Criteria: GeneDx Variant Classification Process June 2021. Collection method: clinical testing. Allele origin: germline. Affected: yes.
Comment: Not observed at significant frequency in large population cohorts (gnomAD); In silico analysis supports that this missense variant does not alter protein structure/function; Has not been previously published as pathogenic or benign to our knowledge